The following is an entry in ClinVar:

ClinVar aggregate classification (germline): Uncertain significance. Review status: criteria provided, single submitter (1 of 4 stars). 2 submissions from 2 submitters: Uncertain significance (1). 1 of the submissions does not count toward it. Last evaluated 2020-09-15.

Conditions:
Alstrom syndrome (ALMS). Identifiers: Orphanet 64, MedGen C0268425, MONDO:0008763, OMIM 203800.
Cardiovascular phenotype. Identifiers: MedGen CN230736.

Allele frequency attached by ClinVar (database versions not stated): gnomAD 0.00001; gnomAD exomes 0.00001.
gnomAD v4.1: 9 of 1,613,958 alleles (0.00056%); highest among the groups gnomAD compares: Non-Finnish European, 0.00076%; no homozygotes.

Submissions (2):

Ambry Genetics
Classification: Uncertain significance for Cardiovascular phenotype. Last evaluated: 2020-09-15. Review status: criteria provided, single submitter. Criteria: Ambry Variant Classification Scheme 2023. Collection method: clinical testing. Allele origin: germline.
Comment: The p.D2537G variant (also known as c.7610A>G), located in coding exon 9 of the ALMS1 gene, results from an A to G substitution at nucleotide position 7610. The aspartic acid at codon 2537 is replaced by glycine, an amino acid with similar properties. This amino acid position is highly conserved in available vertebrate species. In addition, the in silico prediction for this alteration is inconclusive. Since supporting evidence is limited at this time, the clinical significance of this alteration remains unclear.

Natera, Inc.
Classification: Uncertain significance for Alstrom syndrome. Last evaluated: 2025-03-17. Review status: no assertion criteria provided. Collection method: clinical testing. Allele origin: germline. Not counted in ClinVar's aggregate classification.

NM_001378454.1(ALMS1):c.7607A>G (p.Asp2536Gly)

Gene: ALMS1 (ALMS1 centrosome and basal body associated protein; plus strand). Cytogenetic location: 2p13.1.
Variant type: single nucleotide variant.
Coding change: c.7607A>G on transcript NM_001378454.1 (MANE Select); coding-DNA position 7607, A replaced by G.
Protein change: p.Asp2536Gly; replaces aspartic acid 2536 with glycine.
Molecular consequence: missense variant.
Genome position (GRCh38, 1-based): chr2:73,455,228, A>G. VCF-style: chr2-73455228-A-G. GRCh37 (hg19) VCF-style: chr2-73682355-A-G.
Other names: c.7610A>G, p.Asp2537Gly (NM_015120.4); short protein forms D2536G, D2537G.
Identifiers: ClinVar variation 1759798 (VCV001759798.3), dbSNP rs1279652916, ClinGen allele CA347293071.